The following is an entry in ClinVar:

NM_000891.3(KCNJ2):c.979G>A (p.Glu327Lys)

Gene: KCNJ2 (potassium inwardly rectifying channel subfamily J member 2; plus strand). Cytogenetic location: 17q24.3.
Variant type: single nucleotide variant.
Coding change: c.979G>A on transcript NM_000891.3 (MANE Select); coding-DNA position 979, G replaced by A.
Protein change: p.Glu327Lys; replaces glutamic acid 327 with lysine.
Molecular consequence: missense variant.
Genome position (GRCh38, 1-based): chr17:70,176,018, G>A. VCF-style: chr17-70176018-G-A. GRCh37 (hg19) VCF-style: chr17-68172159-G-A.
Other names: short protein forms E327K.
Identifiers: ClinVar variation 2418139 (VCV002418139.7), dbSNP rs1378491441, ClinGen allele CA400862928.

ClinVar aggregate classification (germline): Uncertain significance. Review status: criteria provided, multiple submitters, no conflicts (2 of 4 stars). 2 submissions from 2 submitters: Uncertain significance (2). Last evaluated 2022-05-27.

Conditions:
Short QT syndrome type 3. Identifiers: Orphanet 51083, MedGen C1865018, MONDO:0012314, OMIM 609622.
Andersen Tawil syndrome (LQT7). Also called: Andersen Syndrome; ANDERSEN CARDIODYSRHYTHMIC PERIODIC PARALYSIS; PERIODIC PARALYSIS, POTASSIUM-SENSITIVE CARDIODYSRHYTHMIC TYPE; Potassium-sensitive periodic paralysis, ventricular ectopy, and dysmorphic features; LONG QT SYNDROME 7. Identifiers: Orphanet 37553, MedGen C1563715, MONDO:0008222, OMIM 170390.

Allele frequency attached by ClinVar (database versions not stated): gnomAD exomes 0.00001.

Submissions (2):

Clinical Genetics Laboratory, Skane University Hospital Lund
Classification: Uncertain significance. Last evaluated: 2022-05-27. Review status: criteria provided, single submitter. Criteria: ACMG Guidelines, 2015. Collection method: clinical testing. Allele origin: germline. Affected: yes.

Labcorp Genetics (formerly Invitae), Labcorp
Classification: Uncertain significance for Short QT syndrome type 3; Andersen Tawil syndrome. Last evaluated: 2022-03-17. Review status: criteria provided, single submitter. Criteria: Invitae Variant Classification Sherloc (09022015). Collection method: clinical testing. Allele origin: germline.
Comment: This sequence change replaces glutamic acid, which is acidic and polar, with lysine, which is basic and polar, at codon 327 of the KCNJ2 protein (p.Glu327Lys). In summary, the available evidence is currently insufficient to determine the role of this variant in disease. Therefore, it has been classified as a Variant of Uncertain Significance. Algorithms developed to predict the effect of missense changes on protein structure and function (SIFT, PolyPhen-2, Align-GVGD) all suggest that this variant is likely to be disruptive. This variant has not been reported in the literature in individuals affected with KCNJ2-related conditions. This variant is present in population databases (no rsID available, gnomAD 0.003%).